The following is an entry in ClinVar:

NC_000008.10:g.(?_100454619)_(100673729_?)del

Gene: VPS13B (vacuolar protein sorting 13 homolog B; plus strand). Cytogenetic location: 8q22.2.
Variant type: Deletion.
Identifiers: ClinVar variation 2426387 (VCV002426387.2).

ClinVar aggregate classification (germline): Pathogenic (1 of 4 stars; one submission).

Conditions:
Cohen syndrome (COH1). Also called: Cutis verticis gyrata, retinitis pigmentosa, and sensorineural deafness; PEPPER SYNDROME. Identifiers: Orphanet 193, MedGen C0265223, MONDO:0008999, OMIM 216550.

Submission:

Labcorp Genetics (formerly Invitae), Labcorp
Classification: Pathogenic for Cohen syndrome. Last evaluated: 2022-04-06. Review status: criteria provided, single submitter. Criteria: Invitae Variant Classification Sherloc (09022015). Collection method: clinical testing. Allele origin: germline.
Comment: This variant is a gross deletion of the genomic region encompassing exon(s) 23-35 of the VPS13B gene. This deletion is out-of-frame, and is expected to create a premature termination codon and result in an absent or disrupted protein product. Loss-of-function variants in VPS13B are known to be pathogenic (PMID: 15141358, 16648375, 20461111). This variant has not been reported in the literature in individuals affected with VPS13B-related conditions. For these reasons, this variant has been classified as Pathogenic.

Literature cited by the submitters: PubMed 15141358; PubMed 16648375; PubMed 20461111.